The following is an entry in ClinVar:

ClinVar aggregate classification (germline): Uncertain significance (1 of 4 stars; one submission).

Submission:

GeneDx
Classification: Uncertain significance. Last evaluated: 2020-02-06. Review status: criteria provided, single submitter. Criteria: GeneDx Variant Classification Process June 2021. Collection method: clinical testing. Allele origin: germline. Affected: yes.
Comment: Not observed in large population cohorts (Lek et al., 2016); In silico analysis supports that this missense variant has a deleterious effect on protein structure/function; Has not been previously published as pathogenic or benign to our knowledge

NM_005334.3(HCFC1):c.5777A>T (p.Tyr1926Phe)

Gene: HCFC1 (host cell factor C1; minus strand). Cytogenetic location: Xq28.
Variant type: single nucleotide variant.
Coding change: c.5777A>T on transcript NM_005334.3 (MANE Select); coding-DNA position 5777, A replaced by T.
Protein change: p.Tyr1926Phe; replaces tyrosine 1926 with phenylalanine.
Molecular consequence: missense variant.
Genome position (GRCh38, 1-based): chrX:153,950,470, T>A on the plus strand (A>T on the coding strand, the complement: HCFC1 is on the minus strand). VCF-style: chrX-153950470-T-A. GRCh37 (hg19) VCF-style: chrX-153215921-T-A.
Other names: short protein forms Y1926F.
Identifiers: ClinVar variation 1311731 (VCV001311731.2), dbSNP rs2148556516, ClinGen allele CA415102834.